The following is an entry in ClinVar:

NM_152517.3(IFT70B):c.777T>C (p.Ala259=)

Gene: IFT70B (intraflagellar transport 70B; minus strand). Cytogenetic location: 2q31.2.
Variant type: single nucleotide variant.
Coding change: c.777T>C on transcript NM_152517.3 (MANE Select); coding-DNA position 777, T replaced by C.
Protein change: p.Ala259=; no amino-acid change (alanine 259 retained).
Molecular consequence: synonymous variant.
Genome position (GRCh38, 1-based): chr2:177,551,987, A>G on the plus strand (T>C on the coding strand, the complement: IFT70B is on the minus strand). VCF-style: chr2-177551987-A-G. GRCh37 (hg19) VCF-style: chr2-178416715-A-G.
Identifiers: ClinVar variation 2651568 (VCV002651568.24), dbSNP rs562233989, ClinGen allele CA1980713.

ClinVar aggregate classification (germline): Likely benign (1 of 4 stars; one submission).

Allele frequency attached by ClinVar (database versions not stated): 1000 Genomes Project 30x 0.00016; 1000 Genomes Project 0.00020; gnomAD 0.00042; gnomAD exomes 0.00048; ExAC 0.00049; TOPMed 0.00053.
gnomAD v4.1: 756 of 1,614,104 alleles (0.047%); highest among the groups gnomAD compares: Middle Eastern, 0.13%; 1 homozygote.

Submission:

CeGaT Center for Human Genetics Tuebingen
Classification: Likely benign. Last evaluated: 2026-05-01. Review status: criteria provided, single submitter. Criteria: CeGaT Center For Human Genetics Tuebingen Variant Classification Criteria Version 2. Collection method: clinical testing. Allele origin: germline. Affected: yes. Observed: 5 variant alleles.
Comment: IFT70B: BP4, BP7